The following is an entry in ClinVar:

NM_152743.4(BRAT1):c.1867G>A (p.Gly623Ser)

Gene: BRAT1 (BRCA1 associated ATM activator 1; minus strand). Cytogenetic location: 7p22.3.
Variant type: single nucleotide variant.
Coding change: c.1867G>A on transcript NM_152743.4 (MANE Select); coding-DNA position 1867, G replaced by A.
Protein change: p.Gly623Ser; replaces glycine 623 with serine.
Molecular consequence: missense variant. On other transcripts: non-coding transcript variant (1).
Genome position (GRCh38, 1-based): chr7:2,538,668, C>T on the plus strand (G>A on the coding strand, the complement: BRAT1 is on the minus strand). VCF-style: chr7-2538668-C-T. GRCh37 (hg19) VCF-style: chr7-2578302-C-T.
Other names: p.Gly623Ser; c.2047G>A, p.Gly683Ser (NM_001350626.2); c.1342G>A, p.Gly448Ser (NM_001350627.2); short protein forms G623S, G683S, G448S.
Identifiers: ClinVar variation 445507 (VCV000445507.18), dbSNP rs77015302, ClinGen allele CA4127535.

ClinVar aggregate classification (germline): Benign/Likely benign. Review status: criteria provided, multiple submitters, no conflicts (2 of 4 stars). 7 submissions from 7 submitters: Benign (4); Likely benign (3). Last evaluated 2026-02-03.

Conditions:
Neonatal-onset encephalopathy with rigidity and seizures. Also called: Lethal neonatal spasticity-epileptic encephalopathy syndrome. Identifiers: Orphanet 435845, MedGen C3281029, MONDO:0013784, OMIM 614498.

Allele frequency attached by ClinVar (database versions not stated): gnomAD exomes 0.00099 and 0.00236; ExAC 0.00257; ESP Exome Variant Server 0.00858; gnomAD 0.00966 and 0.01031; TOPMed 0.01076; 1000 Genomes Project 0.01138; 1000 Genomes Project 30x 0.01171.
gnomAD v4.1: 3,050 of 1,598,284 alleles (0.19%); highest among the groups gnomAD compares: African/African-American, 3.3%; 40 homozygotes.

Submissions (7):

Labcorp Genetics (formerly Invitae), Labcorp
Classification: Benign for Neonatal-onset encephalopathy with rigidity and seizures. Last evaluated: 2026-02-03. Review status: criteria provided, single submitter. Criteria: Invitae Variant Classification Sherloc (09022015). Collection method: clinical testing. Allele origin: germline.

Blueprint Genetics
Classification: Likely benign. Last evaluated: 2024-11-26. Review status: criteria provided, single submitter. Criteria: ACMG Guidelines, 2015. Collection method: clinical testing. Allele origin: germline.

Athena Diagnostics
Classification: Benign. Last evaluated: 2024-06-04. Review status: criteria provided, single submitter. Criteria: Athena Diagnostics Criteria. Collection method: clinical testing. Allele origin: unknown.

Mayo Clinic Laboratories, Mayo Clinic
Classification: Benign. Last evaluated: 2024-02-05. Review status: criteria provided, single submitter. Criteria: ACMG Guidelines, 2015. Collection method: clinical testing. Allele origin: germline. Observed: 2 variant alleles.
Comment: BS1, BS2, BP4

GeneDx
Classification: Benign. Last evaluated: 2019-07-24. Review status: criteria provided, single submitter. Criteria: GeneDx Variant Classification Process June 2021. Collection method: clinical testing. Allele origin: germline. Affected: yes.

Center for Pediatric Genomic Medicine, Children's Mercy Hospital and Clinics
Classification: Likely benign. Last evaluated: 2017-08-31. Review status: criteria provided, single submitter. Criteria: ACMG Guidelines, 2015. Collection method: clinical testing. Allele origin: germline.

Breakthrough Genomics
Classification: Likely benign. Review status: criteria provided, single submitter. Criteria: ACMG Guidelines, 2015. Collection method: not provided. Allele origin: germline. Inheritance: Autosomal recessive inheritance. Affected: yes.